The following is an entry in ClinVar:

NM_006258.4(PRKG1):c.473T>C (p.Met158Thr)

Gene: PRKG1 (protein kinase cGMP-dependent 1; plus strand). Cytogenetic location: 10q21.1.
Variant type: single nucleotide variant.
Coding change: c.473T>C on transcript NM_006258.4 (MANE Select); coding-DNA position 473, T replaced by C.
Protein change: p.Met158Thr; replaces methionine 158 with threonine.
Molecular consequence: missense variant.
Genome position (GRCh38, 1-based): chr10:51,153,325, T>C. VCF-style: chr10-51153325-T-C. GRCh37 (hg19) VCF-style: chr10-52913085-T-C.
Other names: c.428T>C, p.Met143Thr (LRG_1135t2, NM_001098512.3); c.473T>C, p.Met158Thr (LRG_1135t1); short protein forms M143T, M158T.
Identifiers: ClinVar variation 423814 (VCV000423814.3), dbSNP rs767973721, ClinGen allele CA5503132.

ClinVar aggregate classification (germline): Uncertain significance (1 of 4 stars; one submission).

Allele frequency attached by ClinVar (database versions not stated): gnomAD exomes below 0.00001; TOPMed below 0.00001 and 0.00001; ExAC 0.00001; gnomAD 0.00001.

Submission:

GeneDx
Classification: Uncertain significance. Last evaluated: 2020-07-14. Review status: criteria provided, single submitter. Criteria: GeneDx Variant Classification Process June 2021. Collection method: clinical testing. Allele origin: germline. Affected: yes.
Comment: Not observed at a significant frequency in large population cohorts (Lek et al., 2016); In silico analysis supports that this missense variant has a deleterious effect on protein structure/function; Has not been previously published as pathogenic or benign to our knowledge